The following is an entry in ClinVar:

NM_001039141.3(TRIOBP):c.6840C>T (p.Cys2280=)

Gene: TRIOBP (TRIO and F-actin binding protein; plus strand). Cytogenetic location: 22q13.1.
Variant type: single nucleotide variant.
Coding change: c.6840C>T on transcript NM_001039141.3 (MANE Select); coding-DNA position 6840, C replaced by T.
Protein change: p.Cys2280=; no amino-acid change (cysteine 2280 retained).
Molecular consequence: synonymous variant.
Genome position (GRCh38, 1-based): chr22:37,769,366, C>T. VCF-style: chr22-37769366-C-T. GRCh37 (hg19) VCF-style: chr22-38165373-C-T.
Other names: c.1701C>T, p.Cys567= (NM_007032.5).
Identifiers: ClinVar variation 1512364 (VCV001512364.10), dbSNP rs764022321, ClinGen allele CA10225208.

ClinVar aggregate classification (germline): Likely benign. Review status: criteria provided, multiple submitters, no conflicts (2 of 4 stars). 2 submissions from 2 submitters: Likely benign (2). Last evaluated 2026-09-01.

Allele frequency attached by ClinVar (database versions not stated): ExAC 0.00001; gnomAD exomes 0.00001.
gnomAD v4.1: 38 of 1,604,714 alleles (0.0024%); highest among the groups gnomAD compares: East Asian, 0.0045%; no homozygotes.

Submissions (3):

CeGaT Center for Human Genetics Tuebingen
Classification: Likely benign. Last evaluated: 2026-09-01. Review status: criteria provided, single submitter. Criteria: CeGaT Center For Human Genetics Tuebingen Variant Classification Criteria Version 2. Collection method: clinical testing. Allele origin: germline. Affected: yes. Observed: 1 variant allele.
Comment: TRIOBP: BP4, BP7

Labcorp Genetics (formerly Invitae), Labcorp
Classification: Likely benign. Last evaluated: 2024-11-30. Review status: criteria provided, single submitter. Criteria: Invitae Variant Classification Sherloc (09022015). Collection method: clinical testing. Allele origin: germline.

Dr. Peter K. Rogan Lab, Western University
No classification provided (evidence only). Condition: Squamous cell lung carcinoma. Review status: no classification provided. Collection method: in vitro. Allele origin: not applicable. Functional consequence: retained intron. Not counted in ClinVar's aggregate classification.